The following is an entry in ClinVar:

NM_001394998.1(TANC2):c.7C>T (p.Arg3Trp)

Gene: TANC2 (tetratricopeptide repeat, ankyrin repeat and coiled-coil containing 2; plus strand). Cytogenetic location: 17q23.2.
Variant type: single nucleotide variant.
Coding change: c.7C>T on transcript NM_001394998.1 (MANE Select); coding-DNA position 7, C replaced by T.
Protein change: p.Arg3Trp; replaces arginine 3 with tryptophan.
Molecular consequence: missense variant.
Genome position (GRCh38, 1-based): chr17:63,009,566, C>T. VCF-style: chr17-63009566-C-T. GRCh37 (hg19) VCF-style: chr17-61086927-C-T.
Other names: c.7C>T, p.Arg3Trp (NM_001411076.1, NM_025185.4); short protein forms R3W.
Identifiers: ClinVar variation 3393707 (VCV003393707.1).

ClinVar aggregate classification (germline): Uncertain significance (1 of 4 stars; one submission).

gnomAD v4.1: 1 of 1,612,732 alleles (0.000062%); highest among the groups gnomAD compares: Non-Finnish European, 0.000085%; no homozygotes.

Submission:

GeneDx
Classification: Uncertain significance. Last evaluated: 2024-07-03. Review status: criteria provided, single submitter. Criteria: GeneDx Variant Classification Process June 2021. Collection method: clinical testing. Allele origin: germline. Affected: yes.
Comment: Not observed at significant frequency in large population cohorts (gnomAD); In silico analysis indicates that this missense variant does not alter protein structure/function; Has not been previously published as pathogenic or benign to our knowledge